The following is an entry in ClinVar:

NM_001942.4(DSG1):c.316del (p.Thr106fs)

Gene: DSG1 (desmoglein 1; plus strand). Cytogenetic location: 18q12.1.
Variant type: Deletion.
Coding change: c.316del on transcript NM_001942.4 (MANE Select); coding-DNA position 316, one base deleted (A; older notation c.316delA).
Protein change: p.Thr106fs; shifts the reading frame from threonine 106.
Molecular consequence: frameshift variant.
Genome position (GRCh38, 1-based): chr18:31,328,288, A deleted; the last of 4 consecutive A bases (chr18:31,328,285-31,328,288); deleting any one gives the same sequence. VCF-style (leftmost placement, unchanged base first): chr18-31328284-GA-G. GRCh37 (hg19) VCF-style: chr18-28908247-GA-G.
Other names: short protein forms T106fs.
Identifiers: ClinVar variation 1454139 (VCV001454139.6), dbSNP rs1436840056, ClinGen allele CA2573155213.
Genomic context (GRCh38, chr18:31,328,284, plus strand): 5'-ATACCGCATCTCTGGAGTAGGAATTGATCAGCCACCATATGGGATCTTTGTCATTAATCA[GA>G]AAACTGGTGAAATTAATATAACATCCATAGTTGATCGAGAGGTCACTCCTTTCTTCATTG-3'

ClinVar aggregate classification (germline): Pathogenic (1 of 4 stars; one submission).

Submission:

Labcorp Genetics (formerly Invitae), Labcorp
Classification: Pathogenic. Last evaluated: 2021-12-27. Review status: criteria provided, single submitter. Criteria: Invitae Variant Classification Sherloc (09022015). Collection method: clinical testing. Allele origin: germline.
Comment: This variant has not been reported in the literature in individuals affected with DSG1-related conditions. For these reasons, this variant has been classified as Pathogenic. This variant is not present in population databases (gnomAD no frequency). This sequence change creates a premature translational stop signal (p.Thr106Leufs*6) in the DSG1 gene. It is expected to result in an absent or disrupted protein product. Loss-of-function variants in DSG1 are known to be pathogenic (PMID: 19018793, 23974871, 27534273).

Literature cited by the submitters: PubMed 19018793; PubMed 23974871; PubMed 27534273.